The following is an entry in ClinVar:

NM_000051.4(ATM):c.615A>G (p.Leu205=)

Gene: ATM (ATM serine/threonine kinase; plus strand). Cytogenetic location: 11q22.3.
Variant type: single nucleotide variant.
Coding change: c.615A>G on transcript NM_000051.4 (MANE Select); coding-DNA position 615, A replaced by G.
Protein change: p.Leu205=; no amino-acid change (leucine 205 retained).
Molecular consequence: synonymous variant.
Genome position (GRCh38, 1-based): chr11:108,244,071, A>G. VCF-style: chr11-108244071-A-G. GRCh37 (hg19) VCF-style: chr11-108114798-A-G.
Other names: c.615A>G, p.Leu205= (NM_001351834.2).
Identifiers: ClinVar variation 481298 (VCV000481298.9), dbSNP rs1555066455, ClinGen allele CA476671464.

ClinVar aggregate classification (germline): Benign/Likely benign. Review status: criteria provided, multiple submitters, no conflicts (2 of 4 stars). 4 submissions from 4 submitters: Benign (1); Likely benign (3). Last evaluated 2024-04-22.

Conditions:
Hereditary cancer-predisposing syndrome. Also called: Hereditary neoplastic syndrome; Neoplastic Syndromes, Hereditary; Tumor predisposition; Hereditary Cancer Syndrome. Identifiers: Orphanet 140162, MedGen C0027672, MeSH D009386, MONDO:0015356.
Familial cancer of breast. Also called: BREAST CANCER, FAMILIAL; Hereditary breast cancer; hereditary breast carcinoma. Identifiers: Orphanet 227535, MedGen C0346153, MONDO:0016419, OMIM 114480. Disease mechanism: loss of function.
Ataxia-telangiectasia syndrome (AT). Also called: LOUIS-BAR SYNDROME; Cerebello-oculocutaneous telangiectasia; Immunodeficiency with ataxia telangiectasia; AT, COMPLEMENTATION GROUP C; Ataxia-telangiectasia, complementation group D; ATAXIA-TELANGIECTASIA, COMPLEMENTATION GROUP A. Identifiers: Orphanet 100, MedGen C0004135, MONDO:0008840, OMIM 208900.

Allele frequency attached by ClinVar (database versions not stated): TOPMed 0.00001.

Submissions (4):

Myriad Genetics, Inc.
Classification: Benign for Familial cancer of breast. Last evaluated: 2024-04-22. Review status: criteria provided, single submitter. Criteria: Myriad Autosomal Dominant, Autosomal Recessive and X-Linked Classification Criteria (2023). Collection method: clinical testing. Allele origin: unknown.
Comment: This variant is considered benign. This variant is a silent/synonymous amino acid change and it is not expected to impact splicing.

Labcorp Genetics (formerly Invitae), Labcorp
Classification: Likely benign for Ataxia-telangiectasia syndrome. Last evaluated: 2023-07-16. Review status: criteria provided, single submitter. Criteria: Invitae Variant Classification Sherloc (09022015). Collection method: clinical testing. Allele origin: germline.

GeneDx
Classification: Likely benign. Last evaluated: 2017-10-06. Review status: criteria provided, single submitter. Criteria: GeneDx Variant Classification (06012015). Collection method: clinical testing. Allele origin: germline. Affected: yes.
Comment: This variant is considered likely benign or benign based on one or more of the following criteria: it is a conservative change, it occurs at a poorly conserved position in the protein, it is predicted to be benign by multiple in silico algorithms, and/or has population frequency not consistent with disease.

Ambry Genetics
Classification: Likely benign for Hereditary cancer-predisposing syndrome. Last evaluated: 2016-10-25. Review status: criteria provided, single submitter. Criteria: Ambry Variant Classification Scheme 2023. Collection method: clinical testing. Allele origin: germline.